The following is an entry in ClinVar:

ClinVar aggregate classification (germline): Uncertain significance (1 of 4 stars; one submission).

gnomAD v4.1: 1 of 1,612,834 alleles (0.000062%); no homozygotes.

Submission:

Mayo Clinic Laboratories, Mayo Clinic
Classification: Uncertain significance. Last evaluated: 2023-08-28. Review status: criteria provided, single submitter. Criteria: ACMG Guidelines, 2015. Collection method: clinical testing. Allele origin: germline. Observed: 1 variant allele.
Comment: BP4, PM2

NM_007255.3(B4GALT7):c.155G>T (p.Ser52Ile)

Gene: B4GALT7 (beta-1,4-galactosyltransferase 7; plus strand). Cytogenetic location: 5q35.3.
Variant type: single nucleotide variant.
Coding change: c.155G>T on transcript NM_007255.3 (MANE Select); coding-DNA position 155, G replaced by T.
Protein change: p.Ser52Ile; replaces serine 52 with isoleucine.
Molecular consequence: missense variant.
Genome position (GRCh38, 1-based): chr5:177,604,283, G>T. VCF-style: chr5-177604283-G-T. GRCh37 (hg19) VCF-style: chr5-177031284-G-T.
Other names: p.Ser52Ile; short protein forms S52I.
Identifiers: ClinVar variation 3379620 (VCV003379620.1).
Genomic context (GRCh38, chr5:177,604,283, plus strand): 5'-TCCACCTGTTCGTGGCCTGCCTCTCGCTGGGCTTCTTCTCCCTACTCTGGCTGCAGCTCA[G>T]CTGCTCTGGGGACGTGGCCCGGGCAGTCAGGGGACAAGGGCAGGAGACCTCGGGCCCTCC-3'
Protein context (NP_009186.1, residues 42-62): GFFSLLWLQL[Ser52Ile]CSGDVARAVR